The following is an entry in ClinVar:

NM_130384.3(ATRIP):c.457G>A (p.Glu153Lys)

Genes: ATRIP (ATR interacting protein; plus strand), ATRIP-TREX1 (ATRIP-TREX1 readthrough; plus strand). Cytogenetic location: 3p21.31.
Variant type: single nucleotide variant.
Coding change: c.457G>A on transcript NM_130384.3 (MANE Select); coding-DNA position 457, G replaced by A.
Protein change: p.Glu153Lys; replaces glutamic acid 153 with lysine.
Molecular consequence: missense variant. On other transcripts: non-coding transcript variant (1).
Genome position (GRCh38, 1-based): chr3:48,451,804, G>A. VCF-style: chr3-48451804-G-A. GRCh37 (hg19) VCF-style: chr3-48493210-G-A.
Other names: c.76G>A, p.Glu26Lys (NM_001271022.2); c.178G>A, p.Glu60Lys (NM_001271023.2); c.457G>A, p.Glu153Lys (NM_032166.4); short protein forms E153K, E26K, E60K.
Identifiers: ClinVar variation 3809348 (VCV003809348.1).

ClinVar aggregate classification (germline): Uncertain significance (1 of 4 stars; one submission).

Submission:

Ambry Genetics
Classification: Uncertain significance. Last evaluated: 2024-12-29. Review status: criteria provided, single submitter. Criteria: Ambry Variant Classification Scheme 2023. Collection method: clinical testing. Allele origin: germline.
Comment: The p.E153K variant (also known as c.457G>A), located in coding exon 3 of the ATRIP gene, results from a G to A substitution at nucleotide position 457. The glutamic acid at codon 153 is replaced by lysine, an amino acid with similar properties. This amino acid position is conserved. In addition, the in silico prediction for this alteration is inconclusive. Based on the available evidence, the clinical significance of this variant remains unclear.